The following is an entry in ClinVar:

ClinVar aggregate classification (germline): Pathogenic (1 of 4 stars; one submission).

Conditions:
X-linked myopathy with postural muscle atrophy. Also called: FHL1-Related Emery-Dreifuss Muscular Dystrophy, X-Linked. Identifiers: Orphanet 178461, MedGen C2678055, MONDO:0010401, OMIM 300696.

Submission:

Labcorp Genetics (formerly Invitae), Labcorp
Classification: Pathogenic for X-linked myopathy with postural muscle atrophy. Last evaluated: 2019-07-29. Review status: criteria provided, single submitter. Criteria: Invitae Variant Classification Sherloc (09022015). Collection method: clinical testing. Allele origin: unknown.
Comment: For these reasons, this variant has been classified as Pathogenic. Loss-of-function variants in FHL1 are known to be pathogenic (PMID: 18179888, 19687455, 19716112, 22523091, 24114807). This variant has not been reported in the literature in individuals with FHL1-related conditions. This variant is a deletion of the genomic region encompassing exon 3 (c.-26-4111_157-7del) of the FHL1 gene. It is expected to disrupt RNA splicing and likely results in an absent or disrupted protein product.

Literature cited by the submitters: PubMed 18179888; PubMed 19687455; PubMed 19716112; PubMed 22523091; PubMed 24114807.

NC_000023.10:g.(?_135284455)_(135289168_?)del

Gene: FHL1 (four and a half LIM domains 1; plus strand). Cytogenetic location: Xq26.3.
Variant type: Deletion.
Identifiers: ClinVar variation 3245201 (VCV003245201.1).